The following is an entry in ClinVar:

ClinVar aggregate classification (germline): Uncertain significance (1 of 4 stars; one submission).

Allele frequency attached by ClinVar (database versions not stated): gnomAD exomes below 0.00001.
gnomAD v4.1: 3 of 1,613,528 alleles (0.00019%); highest among the groups gnomAD compares: Non-Finnish European, 0.00025%; no homozygotes.

Submission:

Labcorp Genetics (formerly Invitae), Labcorp
Classification: Uncertain significance. Last evaluated: 2023-08-30. Review status: criteria provided, single submitter. Criteria: Invitae Variant Classification Sherloc (09022015). Collection method: clinical testing. Allele origin: germline.
Comment: In summary, the available evidence is currently insufficient to determine the role of this variant in disease. Therefore, it has been classified as a Variant of Uncertain Significance. An algorithm developed to predict the effect of missense changes on protein structure and function (PolyPhen-2) suggests that this variant is likely to be tolerated. ClinVar contains an entry for this variant (Variation ID: 2176973). This variant has not been reported in the literature in individuals affected with RPL15-related conditions. This variant is not present in population databases (gnomAD no frequency). This sequence change replaces arginine, which is basic and polar, with cysteine, which is neutral and slightly polar, at codon 73 of the RPL15 protein (p.Arg73Cys).

NM_002948.5(RPL15):c.217C>T (p.Arg73Cys)

Genes: NKIRAS1 (NFKB inhibitor interacting Ras like 1; minus strand), RPL15 (ribosomal protein L15; plus strand). Cytogenetic location: 3p24.2.
Variant type: single nucleotide variant.
Coding change: c.217C>T on transcript NM_002948.5 (MANE Select); coding-DNA position 217, C replaced by T.
Protein change: p.Arg73Cys; replaces arginine 73 with cysteine.
Molecular consequence: missense variant. On other transcripts: intron variant (1).
Genome position (GRCh38, 1-based): chr3:23,918,484, C>T. VCF-style: chr3-23918484-C-T. GRCh37 (hg19) VCF-style: chr3-23959975-C-T.
Other names: c.217C>T, p.Arg73Cys (NM_001253379.2, NM_001253380.2, NM_001253382.2 and 2 more transcripts); c.-139-7034G>A (NM_001377380.1); short protein forms R73C.
Identifiers: ClinVar variation 2176973 (VCV002176973.3), dbSNP rs2471221010, ClinGen allele CA351881638.